The following is an entry in ClinVar:

ClinVar aggregate classification (germline): Likely pathogenic. Review status: criteria provided, multiple submitters, no conflicts (2 of 4 stars). 4 submissions from 4 submitters: Likely pathogenic (2). 2 of the submissions do not count toward it. Last evaluated 2022-11-08.

Conditions:
WDR19-related disorder. Also called: WDR19-related condition; WDR19-related disorders. Identifiers: MedGen CN380161.
Type IV short rib polydactyly syndrome (SRTD12). Also called: Beemer-Langer syndrome; SHORT RIB SYNDROME, BEEMER TYPE; SRPS IV; Short rib-polydactyly syndrome type 4; SRPS type 4; Short rib-polydactyly syndrome Beemer type. Identifiers: Orphanet 93268, MedGen C0432198, MONDO:0010024, OMIM 269860.
Senior-Loken syndrome 8 (SLSN8). Identifiers: Orphanet 3156, MedGen C4225376, MONDO:0014579, OMIM 616307.
Asphyxiating thoracic dystrophy 5 (SRTD5). Also called: SHORT-RIB THORACIC DYSPLASIA 5 WITH OR WITHOUT POLYDACTYLY; SHORT-RIB THORACIC DYSPLASIA 5 WITHOUT POLYDACTYLY. Identifiers: Orphanet 474, MedGen C3280598, MONDO:0013717, OMIM 614376.

Allele frequency attached by ClinVar (database versions not stated): gnomAD exomes below 0.00001.
gnomAD v4.1: 2 of 1,592,368 alleles (0.00013%); highest among the groups gnomAD compares: Non-Finnish European, 0.00017%; no homozygotes.

Submissions (4):

Labcorp Genetics (formerly Invitae), Labcorp
Classification: Likely pathogenic for Senior-Loken syndrome 8; Asphyxiating thoracic dystrophy 5. Last evaluated: 2022-11-08. Review status: criteria provided, single submitter. Criteria: Invitae Variant Classification Sherloc (09022015). Collection method: clinical testing. Allele origin: germline.
Comment: Disruption of this splice site has been observed in individual(s) with short-rib polydactyly syndrome (PMID: 29068549). In summary, the currently available evidence indicates that the variant is pathogenic, but additional data are needed to prove that conclusively. Therefore, this variant has been classified as Likely Pathogenic. Algorithms developed to predict the effect of sequence changes on RNA splicing suggest that this variant may disrupt the consensus splice site. ClinVar contains an entry for this variant (Variation ID: 446636). This variant is not present in population databases (gnomAD no frequency). This sequence change affects an acceptor splice site in intron 31 of the WDR19 gene. It is expected to disrupt RNA splicing. Variants that disrupt the donor or acceptor splice site typically lead to a loss of protein function (PMID: 16199547), and loss-of-function variants in WDR19 are known to be pathogenic (PMID: 22019273, 23559409, 23683095, 26275793, 27241786, 29068549).

Blueprint Genetics
Classification: Likely pathogenic for WDR19-related disorders. Last evaluated: 2020-01-16. Review status: criteria provided, single submitter. Criteria: ACMG Guidelines, 2015. Collection method: clinical testing. Allele origin: germline. Affected: yes. Observed: 1 variant allele.

Dan Cohn Lab, University Of California Los Angeles
Classification: Pathogenic for Type IV short rib polydactyly syndrome. Last evaluated: 2017-06-01. Review status: no assertion criteria provided. Collection method: research. Allele origin: maternal. Affected: yes. Not counted in ClinVar's aggregate classification.

University of Washington Center for Mendelian Genomics, University of Washington
Classification: Likely pathogenic for short-rib polydactyly syndrome type IV. Review status: no assertion criteria provided. Collection method: research. Allele origin: inherited. Affected: yes. Not counted in ClinVar's aggregate classification.

Literature cited by the submitters: PubMed 29068549 (cited by 3 submitters); PubMed 16199547 (cited by Labcorp Genetics (formerly Invitae), Labcorp); PubMed 22019273 (cited by Labcorp Genetics (formerly Invitae), Labcorp); PubMed 23559409 (cited by Labcorp Genetics (formerly Invitae), Labcorp); PubMed 23683095 (cited by Labcorp Genetics (formerly Invitae), Labcorp); PubMed 26275793 (cited by Labcorp Genetics (formerly Invitae), Labcorp); PubMed 27241786 (cited by Labcorp Genetics (formerly Invitae), Labcorp).

NM_025132.4(WDR19):c.3484-2A>C

Gene: WDR19 (WD repeat domain 19; plus strand). Cytogenetic location: 4p14.
Variant type: single nucleotide variant.
Coding change: c.3484-2A>C on transcript NM_025132.4 (MANE Select); the canonical splice acceptor site of the intron before coding-DNA position 3484, A replaced by C.
Molecular consequence: splice acceptor variant.
Genome position (GRCh38, 1-based): chr4:39,272,978, A>C. VCF-style: chr4-39272978-A-C. GRCh37 (hg19) VCF-style: chr4-39274598-A-C.
Other names: c.3004-2A>C (NM_001317924.2).
Identifiers: ClinVar variation 446636 (VCV000446636.9), dbSNP rs1553918403, ClinGen allele CA356647016.